The following is an entry in ClinVar:

NM_006947.4(SRP72):c.389C>G (p.Ala130Gly)

Gene: SRP72 (signal recognition particle 72; plus strand). Cytogenetic location: 4q12.
Variant type: single nucleotide variant.
Coding change: c.389C>G on transcript NM_006947.4 (MANE Select); coding-DNA position 389, C replaced by G.
Protein change: p.Ala130Gly; replaces alanine 130 with glycine.
Molecular consequence: missense variant. On other transcripts: non-coding transcript variant (1).
Genome position (GRCh38, 1-based): chr4:56,474,088, C>G. VCF-style: chr4-56474088-C-G. GRCh37 (hg19) VCF-style: chr4-57340254-C-G.
Other names: c.389C>G, p.Ala130Gly (NM_001267722.2); short protein forms A130G.
Identifiers: ClinVar variation 3962041 (VCV003962041.1).
Genomic context (GRCh38, chr4:56,474,088, plus strand): 5'-TTTTTTACTTGCTATTTATTATTCAGTTATACCGTTTGGAACGCTATGATGAATGCTTAG[C>G]AGTGTATAGAGATCTCGTCCGAAACTCCCAAGATGATTATGATGAGGAGAGGAAAACAAA-3'
Protein context (NP_008878.3, residues 120-140): YRLERYDECL[Ala130Gly]VYRDLVRNSQ

ClinVar aggregate classification (germline): Uncertain significance (1 of 4 stars; one submission).

Submission:

Ambry Genetics
Classification: Uncertain significance. Last evaluated: 2025-03-27. Review status: criteria provided, single submitter. Criteria: Ambry Variant Classification Scheme 2023. Collection method: clinical testing. Allele origin: germline.
Comment: The p.A130G variant (also known as c.389C>G), located in coding exon 4 of the SRP72 gene, results from a C to G substitution at nucleotide position 389. The alanine at codon 130 is replaced by glycine, an amino acid with similar properties. This amino acid position is conserved. In addition, this alteration is predicted to be tolerated by in silico analysis. Based on the available evidence, the clinical significance of this variant remains unclear.